The following is an entry in ClinVar:

NM_012062.5(DNM1L):c.839A>G (p.Asn280Ser)

Gene: DNM1L (dynamin 1 like; plus strand). Cytogenetic location: 12p11.21.
Variant type: single nucleotide variant.
Coding change: c.839A>G on transcript NM_012062.5 (MANE Select); coding-DNA position 839, A replaced by G.
Protein change: p.Asn280Ser; replaces asparagine 280 with serine.
Molecular consequence: missense variant.
Genome position (GRCh38, 1-based): chr12:32,720,762, A>G. VCF-style: chr12-32720762-A-G. GRCh37 (hg19) VCF-style: chr12-32873696-A-G.
Other names: c.839A>G, p.Asn280Ser (NM_001278463.2, NM_005690.5, NM_012063.4); c.878A>G, p.Asn293Ser (NM_001278464.2, NM_001278465.2, NM_001330380.2); c.230A>G, p.Asn77Ser (NM_001278466.2); short protein forms N293S, N77S, N280S.
Identifiers: ClinVar variation 1460746 (VCV001460746.8), dbSNP rs1953765693, ClinGen allele CA384369484.

ClinVar aggregate classification (germline): Uncertain significance (1 of 4 stars; one submission).

Allele frequency attached by ClinVar (database versions not stated): gnomAD exomes below 0.00001; TOPMed below 0.00001.
gnomAD v4.1: 3 of 1,613,790 alleles (0.00019%); highest among the groups gnomAD compares: South Asian, 0.0011%; no homozygotes.

Submission:

Labcorp Genetics (formerly Invitae), Labcorp
Classification: Uncertain significance. Last evaluated: 2025-12-21. Review status: criteria provided, single submitter. Criteria: Invitae Variant Classification Sherloc (09022015). Collection method: clinical testing. Allele origin: germline.
Comment: This sequence change replaces asparagine, which is neutral and polar, with serine, which is neutral and polar, at codon 280 of the DNM1L protein (p.Asn280Ser). This variant is not present in population databases (gnomAD no frequency). This variant has not been reported in the literature in individuals affected with DNM1L-related conditions. ClinVar contains an entry for this variant (Variation ID: 1460746). An algorithm developed to predict the effect of missense changes on protein structure and function (PolyPhen-2) suggests that this variant is likely to be tolerated. In summary, the available evidence is currently insufficient to determine the role of this variant in disease. Therefore, it has been classified as a Variant of Uncertain Significance.